The following is an entry in ClinVar:

ClinVar aggregate classification (germline): Conflicting classifications of pathogenicity. Review status: criteria provided, conflicting classifications (1 of 4 stars). 4 submissions from 4 submitters: Uncertain significance (2); Likely benign (2). Last evaluated 2026-03-27.

Conditions:
STXBP2-related disorder. Also called: STXBP2-related condition.
Familial hemophagocytic lymphohistiocytosis 5. Also called: STXBP2-Related Familial Hemophagocytic Lymphohistiocytosis (STXBP2-fHLH). Identifiers: Orphanet 540, MedGen C2751293, MONDO:0013135, OMIM 613101.

Allele frequency attached by ClinVar (database versions not stated): TOPMed 0.00001; gnomAD exomes 0.00002 and 0.00003; ExAC 0.00003.
gnomAD v4.1: 9 of 1,614,218 alleles (0.00056%); highest among the groups gnomAD compares: Admixed American, 0.015%; no homozygotes.

Submissions (4):

PreventionGenetics, part of Exact Sciences
Classification: Likely benign for STXBP2-related condition. Last evaluated: 2026-03-27. Review status: criteria provided, single submitter. Criteria: ACMG Guidelines, 2015. Collection method: clinical testing. Allele origin: germline.
Comment: This variant is classified as likely benign based on ACMG/AMP sequence variant interpretation guidelines (Richards et al. 2015 PMID: 25741868, with internal and published modifications).

Women's Health and Genetics/Laboratory Corporation of America, LabCorp
Classification: Uncertain significance. Last evaluated: 2025-01-27. Review status: criteria provided, single submitter. Criteria: LabCorp Variant Classification Summary - May 2015. Collection method: clinical testing. Allele origin: germline.

Mayo Clinic Laboratories, Mayo Clinic
Classification: Likely benign. Last evaluated: 2024-10-15. Review status: criteria provided, single submitter. Criteria: ACMG Guidelines, 2015. Collection method: clinical testing. Allele origin: germline. Observed: 1 variant allele.
Comment: BP4, BP7, PM2_supporting

Labcorp Genetics (formerly Invitae), Labcorp
Classification: Uncertain significance for Familial hemophagocytic lymphohistiocytosis 5. Last evaluated: 2022-08-19. Review status: criteria provided, single submitter. Criteria: Invitae Variant Classification Sherloc (09022015). Collection method: clinical testing. Allele origin: germline.
Comment: This sequence change falls in intron 12 of the STXBP2 gene. It does not directly change the encoded amino acid sequence of the STXBP2 protein. It affects a nucleotide within the consensus splice site. This variant is present in population databases (rs759183489, gnomAD 0.02%). This variant has not been reported in the literature in individuals affected with STXBP2-related conditions. ClinVar contains an entry for this variant (Variation ID: 934853). Variants that disrupt the consensus splice site are a relatively common cause of aberrant splicing (PMID: 17576681, 9536098). Algorithms developed to predict the effect of sequence changes on RNA splicing suggest that this variant is not likely to affect RNA splicing. In summary, the available evidence is currently insufficient to determine the role of this variant in disease. Therefore, it has been classified as a Variant of Uncertain Significance.

Literature cited by the submitters: PubMed 17576681 (cited by Labcorp Genetics (formerly Invitae), Labcorp); PubMed 9536098 (cited by Labcorp Genetics (formerly Invitae), Labcorp).

NM_006949.4(STXBP2):c.1026+3G>A

Gene: STXBP2 (syntaxin binding protein 2; plus strand). Cytogenetic location: 19p13.2.
Variant type: single nucleotide variant.
Coding change: c.1026+3G>A on transcript NM_006949.4 (MANE Select); 3 bases into the intron after coding-DNA position 1026, G replaced by A.
Molecular consequence: intron variant.
Genome position (GRCh38, 1-based): chr19:7,643,051, G>A. VCF-style: chr19-7643051-G-A. GRCh37 (hg19) VCF-style: chr19-7707937-G-A.
Other names: p.?; c.1059+3G>A (NM_001272034.2); c.1017+3G>A (NM_001127396.3).
Identifiers: ClinVar variation 934853 (VCV000934853.9), dbSNP rs759183489, ClinGen allele CA9143927.